The following is an entry in ClinVar:

NM_020376.4(PNPLA2):c.322G>A (p.Glu108Lys)

Gene: PNPLA2 (patatin like domain 2, triacylglycerol lipase; plus strand). Cytogenetic location: 11p15.5.
Variant type: single nucleotide variant.
Coding change: c.322G>A on transcript NM_020376.4 (MANE Select); coding-DNA position 322, G replaced by A.
Protein change: p.Glu108Lys; replaces glutamic acid 108 with lysine.
Molecular consequence: missense variant.
Genome position (GRCh38, 1-based): chr11:821,762, G>A. VCF-style: chr11-821762-G-A. GRCh37 (hg19) VCF-style: chr11-821762-G-A.
Other names: p.Glu108Lys; short protein forms E108K.
Identifiers: ClinVar variation 2683130 (VCV002683130.1), dbSNP rs768939589, ClinGen allele CA5790940.

ClinVar aggregate classification (germline): Uncertain significance (1 of 4 stars; one submission).

Allele frequency attached by ClinVar (database versions not stated): ExAC 0.00001; gnomAD 0.00001; gnomAD exomes 0.00001.
gnomAD v4.1: 5 of 1,613,838 alleles (0.00031%); highest among the groups gnomAD compares: East Asian, 0.0045%; no homozygotes.

Submission:

Mayo Clinic Laboratories, Mayo Clinic
Classification: Uncertain significance. Last evaluated: 2022-10-13. Review status: criteria provided, single submitter. Criteria: ACMG Guidelines, 2015. Collection method: clinical testing. Allele origin: germline. Observed: 1 variant allele.
Comment: BP4, PM2